The following is an entry in ClinVar:

ClinVar aggregate classification (germline): Benign/Likely benign. Review status: criteria provided, multiple submitters, no conflicts (2 of 4 stars). 5 submissions from 5 submitters: Benign (1); Likely benign (4). Last evaluated 2025-12-23.

Conditions:
SDHA-related disorder. Also called: SDHA-related condition; SDHA-related disorders.
Pheochromocytoma/paraganglioma syndrome 5. Also called: Paragangliomas 5; SDHA-Related Hereditary Paraganglioma-Pheochromocytoma Syndrome. Identifiers: Orphanet 29072, MedGen C3279992, MONDO:0013602, OMIM 614165.
Mitochondrial complex II deficiency, nuclear type 1. Also called: SUCCINATE CoQ REDUCTASE DEFICIENCY. Identifiers: Orphanet 3208, MedGen C5700310, MONDO:0100294, OMIM 252011.
Hereditary cancer-predisposing syndrome. Also called: Neoplastic Syndromes, Hereditary; Hereditary Cancer Syndrome; Tumor predisposition; Hereditary neoplastic syndrome. Identifiers: Orphanet 140162, MedGen C0027672, MeSH D009386, MONDO:0015356.

Allele frequency attached by ClinVar (database versions not stated): ExAC 0.00001; gnomAD exomes 0.00002; TOPMed 0.00002; gnomAD 0.00003; 1000 Genomes Project 30x 0.00016; 1000 Genomes Project 0.00020.
gnomAD v4.1: 14 of 1,614,050 alleles (0.00087%); highest among the groups gnomAD compares: Admixed American, 0.018%; no homozygotes.

Submissions (5):

Labcorp Genetics (formerly Invitae), Labcorp
Classification: Likely benign for Pheochromocytoma/paraganglioma syndrome 5; Mitochondrial complex II deficiency, nuclear type 1. Last evaluated: 2025-12-23. Review status: criteria provided, single submitter. Criteria: Invitae Variant Classification Sherloc (09022015). Collection method: clinical testing. Allele origin: germline.

PreventionGenetics, part of Exact Sciences
Classification: Likely benign for SDHA-related condition. Last evaluated: 2025-10-30. Review status: criteria provided, single submitter. Criteria: ACMG Guidelines, 2015. Collection method: clinical testing. Allele origin: germline.
Comment: This variant is classified as likely benign based on ACMG/AMP sequence variant interpretation guidelines (Richards et al. 2015 PMID: 25741868, with internal and published modifications).

Myriad Genetics, Inc.
Classification: Benign for Pheochromocytoma/paraganglioma syndrome 5. Last evaluated: 2025-03-10. Review status: criteria provided, single submitter. Criteria: Myriad Autosomal Dominant, Autosomal Recessive and X-Linked Classification Criteria (2023). Collection method: clinical testing. Allele origin: unknown.
Comment: This variant is considered benign. This variant is a silent/synonymous amino acid change and it is not expected to impact splicing.

Blueprint Genetics
Classification: Likely benign. Last evaluated: 2020-09-08. Review status: criteria provided, single submitter. Criteria: ACMG Guidelines, 2015. Collection method: clinical testing. Allele origin: germline.

Ambry Genetics
Classification: Likely benign for Hereditary cancer-predisposing syndrome. Last evaluated: 2017-07-17. Review status: criteria provided, single submitter. Criteria: Ambry Variant Classification Scheme 2023. Collection method: clinical testing. Allele origin: germline.

NM_004168.4(SDHA):c.1353C>G (p.Arg451=)

Gene: SDHA (succinate dehydrogenase complex flavoprotein subunit A; plus strand). Cytogenetic location: 5p15.33.
Variant type: single nucleotide variant.
Coding change: c.1353C>G on transcript NM_004168.4 (MANE Select); coding-DNA position 1353, C replaced by G.
Protein change: p.Arg451=; no amino-acid change (arginine 451 retained).
Molecular consequence: synonymous variant.
Genome position (GRCh38, 1-based): chr5:236,520, C>G. VCF-style: chr5-236520-C-G. GRCh37 (hg19) VCF-style: chr5-236635-C-G.
Other names: c.1209C>G, p.Arg403= (NM_001294332.2); c.1353C>G, p.Arg451= (NM_001330758.2).
Identifiers: ClinVar variation 486366 (VCV000486366.19), dbSNP rs555342133, ClinGen allele CA3173204.